The following is an entry in ClinVar:

NM_006662.3(SRCAP):c.3322C>T (p.Pro1108Ser)

Gene: SRCAP (Snf2 related CREBBP activator protein; plus strand). Cytogenetic location: 16p11.2.
Variant type: single nucleotide variant.
Coding change: c.3322C>T on transcript NM_006662.3 (MANE Select); coding-DNA position 3322, C replaced by T.
Protein change: p.Pro1108Ser; replaces proline 1108 with serine.
Molecular consequence: missense variant.
Genome position (GRCh38, 1-based): chr16:30,721,257, C>T. VCF-style: chr16-30721257-C-T. GRCh37 (hg19) VCF-style: chr16-30732578-C-T.
Other names: short protein forms P1108S.
Identifiers: ClinVar variation 2710402 (VCV002710402.3), dbSNP rs2506665680, ClinGen allele CA395613757.

ClinVar aggregate classification (germline): Uncertain significance (1 of 4 stars; one submission).

Allele frequency attached by ClinVar (database versions not stated): gnomAD exomes below 0.00001.
gnomAD v4.1: 3 of 1,614,108 alleles (0.00019%); highest among the groups gnomAD compares: Non-Finnish European, 0.00025%; no homozygotes.

Submission:

Labcorp Genetics (formerly Invitae), Labcorp
Classification: Uncertain significance. Last evaluated: 2024-01-19. Review status: criteria provided, single submitter. Criteria: Invitae Variant Classification Sherloc (09022015). Collection method: clinical testing. Allele origin: germline.
Comment: This sequence change replaces proline, which is neutral and non-polar, with serine, which is neutral and polar, at codon 1108 of the SRCAP protein (p.Pro1108Ser). This variant is not present in population databases (gnomAD no frequency). This variant has not been reported in the literature in individuals affected with SRCAP-related conditions. Advanced modeling of protein sequence and biophysical properties (such as structural, functional, and spatial information, amino acid conservation, physicochemical variation, residue mobility, and thermodynamic stability) performed at Invitae indicates that this missense variant is not expected to disrupt SRCAP protein function with a negative predictive value of 80%. In summary, the available evidence is currently insufficient to determine the role of this variant in disease. Therefore, it has been classified as a Variant of Uncertain Significance.